The following is an entry in ClinVar:

NM_001376256.1(CRYM):c.523G>T (p.Glu175Ter)

Gene: CRYM (crystallin mu; minus strand). Cytogenetic location: 16p12.2.
Variant type: single nucleotide variant.
Coding change: c.523G>T on transcript NM_001376256.1 (MANE Select); coding-DNA position 523, G replaced by T.
Protein change: p.Glu175Ter; replaces glutamic acid 175 with a stop codon.
Molecular consequence: nonsense.
Genome position (GRCh38, 1-based): chr16:21,267,704, C>A on the plus strand (G>T on the coding strand, the complement: CRYM is on the minus strand). VCF-style: chr16-21267704-C-A. GRCh37 (hg19) VCF-style: chr16-21279025-C-A.
Other names: c.523G>T, p.Glu175Ter (NM_001888.5); short protein forms E175*.
Identifiers: ClinVar variation 785527 (VCV000785527.11), dbSNP rs145787995, ClinGen allele CA7950682.
Genomic context (GRCh38, chr16:21,267,704, plus strand): 5'-CAGCCTCCTGGACCGAAGAACAGACCCGTACCTCTCCTTGCACTGTGTCTGCAAACTTCT[C>A]TGCATTTTCTTTGGTGCGGTTCCATATCCTCACCTTCATTGGGAGTAACAAGAAGGATAT-3'

ClinVar aggregate classification (germline): Conflicting classifications of pathogenicity. Review status: criteria provided, conflicting classifications (1 of 4 stars). 4 submissions from 4 submitters: Uncertain significance (1); Likely benign (2). 1 of the submissions does not count toward it. Last evaluated 2024-11-06.

Conditions:
CRYM-related disorder. Also called: CRYM-related condition.

Allele frequency attached by ClinVar (database versions not stated): gnomAD exomes 0.00045; ExAC 0.00058; gnomAD 0.00145 and 0.00150; ESP Exome Variant Server 0.00146; TOPMed 0.00168; 1000 Genomes Project 30x 0.00265; 1000 Genomes Project 0.00300.
gnomAD v4.1: 531 of 1,614,256 alleles (0.033%); highest among the groups gnomAD compares: African/African-American, 0.54%; 1 homozygote.

Submissions (4):

Blueprint Genetics
Classification: Likely benign. Last evaluated: 2024-11-06. Review status: criteria provided, single submitter. Criteria: ACMG Guidelines, 2015. Collection method: clinical testing. Allele origin: germline.

Labcorp Genetics (formerly Invitae), Labcorp
Classification: Uncertain significance. Last evaluated: 2021-12-08. Review status: criteria provided, single submitter. Criteria: Invitae Variant Classification Sherloc (09022015). Collection method: clinical testing. Allele origin: germline.
Comment: This sequence change creates a premature translational stop signal (p.Glu175*) in the CRYM gene. It is expected to result in an absent or disrupted protein product. However, the current clinical and genetic evidence is not sufficient to establish whether loss-of-function variants in CRYM cause disease. This variant is present in population databases (rs145787995, gnomAD 0.6%). This variant has not been reported in the literature in individuals affected with CRYM-related conditions. ClinVar contains an entry for this variant (Variation ID: 785527). In summary, the available evidence is currently insufficient to determine the role of this variant in disease. Therefore, it has been classified as a Variant of Uncertain Significance.

GeneDx
Classification: Likely benign. Last evaluated: 2020-08-20. Review status: criteria provided, single submitter. Criteria: GeneDx Variant Classification Process June 2021. Collection method: clinical testing. Allele origin: germline. Affected: yes.

PreventionGenetics, part of Exact Sciences
Classification: Likely benign for CRYM-related condition. Last evaluated: 2020-10-29. Review status: no assertion criteria provided. Collection method: clinical testing. Allele origin: germline. Not counted in ClinVar's aggregate classification.
Comment: This variant is classified as likely benign based on ACMG/AMP sequence variant interpretation guidelines (Richards et al. 2015 PMID: 25741868, with internal and published modifications).